The following is an entry in ClinVar:

ClinVar aggregate classification (germline): Uncertain significance (1 of 4 stars; one submission).

gnomAD v4.1: 1 of 1,614,142 alleles (0.000062%); highest among the groups gnomAD compares: Non-Finnish European, 0.000085%; no homozygotes.

Submission:

Labcorp Genetics (formerly Invitae), Labcorp
Classification: Uncertain significance. Last evaluated: 2024-04-10. Review status: criteria provided, single submitter. Criteria: Invitae Variant Classification Sherloc (09022015). Collection method: clinical testing. Allele origin: germline.
Comment: This sequence change replaces valine, which is neutral and non-polar, with isoleucine, which is neutral and non-polar, at codon 420 of the MTOR protein (p.Val420Ile). This variant is not present in population databases (gnomAD no frequency). This variant has not been reported in the literature in individuals affected with MTOR-related conditions. Advanced modeling of protein sequence and biophysical properties (such as structural, functional, and spatial information, amino acid conservation, physicochemical variation, residue mobility, and thermodynamic stability) performed at Invitae indicates that this missense variant is not expected to disrupt MTOR protein function with a negative predictive value of 95%. In summary, the available evidence is currently insufficient to determine the role of this variant in disease. Therefore, it has been classified as a Variant of Uncertain Significance.

NM_004958.4(MTOR):c.1258G>A (p.Val420Ile)

Gene: MTOR (mechanistic target of rapamycin kinase; minus strand). Cytogenetic location: 1p36.22.
Variant type: single nucleotide variant.
Coding change: c.1258G>A on transcript NM_004958.4 (MANE Select); coding-DNA position 1258, G replaced by A.
Protein change: p.Val420Ile; replaces valine 420 with isoleucine.
Molecular consequence: missense variant.
Genome position (GRCh38, 1-based): chr1:11,243,268, C>T on the plus strand (G>A on the coding strand, the complement: MTOR is on the minus strand). VCF-style: chr1-11243268-C-T. GRCh37 (hg19) VCF-style: chr1-11303325-C-T.
Other names: c.1258G>A, p.Val420Ile (NM_001386500.1); c.10G>A, p.Val4Ile (NM_001386501.1); short protein forms V420I, V4I.
Identifiers: ClinVar variation 3692366 (VCV003692366.2).